The following is an entry in ClinVar:

ClinVar aggregate classification (germline): Pathogenic (1 of 4 stars; one submission).

Conditions:
Developmental and epileptic encephalopathy, 54. Also called: HNRNPU-Related Neurodevelopmental Disorder; Epileptic encephalopathy, early infantile, 54. Identifiers: MedGen C4479319, MONDO:0033363, OMIM 617391.

Submission:

Clinical Genetics Laboratory, Skane University Hospital Lund
Classification: Pathogenic for Developmental and epileptic encephalopathy, 54. Last evaluated: 2026-08-13. Review status: criteria provided, single submitter. Criteria: ACMG Guidelines, 2015. Collection method: clinical testing. Allele origin: de novo. Affected: yes.
Comment: ACMG criteria used: PVS1, PS2_Moderate and PM2.

NM_031844.3(HNRNPU):c.913del (p.Arg305fs)

Gene: HNRNPU (heterogeneous nuclear ribonucleoprotein U; minus strand). Cytogenetic location: 1q44.
Variant type: Deletion.
Coding change: c.913del on transcript NM_031844.3 (MANE Select); coding-DNA position 913, one base deleted (C; older notation c.913delC).
Protein change: p.Arg305fs; shifts the reading frame from arginine 305.
Molecular consequence: frameshift variant.
Genome position (GRCh38, 1-based): chr1:244,860,439, G deleted on the plus strand (C on the coding strand, the reverse complement: HNRNPU is on the minus strand). VCF-style (leftmost placement, unchanged base first): chr1-244860438-CG-C. GRCh37 (hg19) VCF-style: chr1-245023740-CG-C.
Other names: c.856del, p.Arg286fs (NM_004501.3); short protein forms R305fs, R286fs.
Identifiers: ClinVar variation 4974489 (VCV004974489.1).
Genomic context (GRCh38, chr1:244,860,438, plus strand): 5'-GCTCTTCCTCCAGCCCAAAGAAAAGCAAAACTCTCCATTGTAAGGGAAGAAGCACTGAGA[CG>C]ATCTCTTGATATTTTAAAATGTAGATCACAATTATCTGTAATTATATCAAATACTGTGTT-3'